The following is an entry in ClinVar:

NM_006017.3(PROM1):c.2167G>T (p.Ala723Ser)

Gene: PROM1 (prominin 1; minus strand). Cytogenetic location: 4p15.32.
Variant type: single nucleotide variant.
Coding change: c.2167G>T on transcript NM_006017.3 (MANE Select); coding-DNA position 2167, G replaced by T.
Protein change: p.Ala723Ser; replaces alanine 723 with serine.
Molecular consequence: missense variant.
Genome position (GRCh38, 1-based): chr4:15,986,001, C>A on the plus strand (G>T on the coding strand, the complement: PROM1 is on the minus strand). VCF-style: chr4-15986001-C-A. GRCh37 (hg19) VCF-style: chr4-15987624-C-A.
Other names: c.2140G>T, p.Ala714Ser (NM_001145847.2, NM_001145848.2, NM_001145851.2 and 4 more transcripts); c.2167G>T, p.Ala723Ser (NM_001145849.2, NM_001145850.2); c.2167G>T (NM_006017.2); short protein forms A723S, A714S.
Identifiers: ClinVar variation 2805213 (VCV002805213.4), dbSNP rs755083222, ClinGen allele CA2866480.

ClinVar aggregate classification (germline): Uncertain significance. Review status: criteria provided, multiple submitters, no conflicts (2 of 4 stars). 2 submissions from 2 submitters: Uncertain significance (2). Last evaluated 2025-11-23.

Conditions:
Inborn genetic diseases. Identifiers: MedGen C0950123, MeSH D030342.

Allele frequency attached by ClinVar (database versions not stated): ExAC 0.00002.
gnomAD v4.1: 6 of 1,583,944 alleles (0.00038%); highest among the groups gnomAD compares: Non-Finnish European, 0.00052%; no homozygotes.

Submissions (2):

Ambry Genetics
Classification: Uncertain significance for Inborn genetic diseases. Last evaluated: 2025-11-23. Review status: criteria provided, single submitter. Criteria: Ambry Variant Classification Scheme 2023. Collection method: clinical testing. Allele origin: germline.

Labcorp Genetics (formerly Invitae), Labcorp
Classification: Uncertain significance. Last evaluated: 2023-12-09. Review status: criteria provided, single submitter. Criteria: Invitae Variant Classification Sherloc (09022015). Collection method: clinical testing. Allele origin: germline.
Comment: This sequence change replaces alanine, which is neutral and non-polar, with serine, which is neutral and polar, at codon 723 of the PROM1 protein (p.Ala723Ser). The frequency data for this variant in the population databases is considered unreliable, as metrics indicate poor data quality at this position in the gnomAD database. This variant has not been reported in the literature in individuals affected with PROM1-related conditions. Advanced modeling of protein sequence and biophysical properties (such as structural, functional, and spatial information, amino acid conservation, physicochemical variation, residue mobility, and thermodynamic stability) performed at Invitae indicates that this missense variant is not expected to disrupt PROM1 protein function with a negative predictive value of 80%. In summary, the available evidence is currently insufficient to determine the role of this variant in disease. Therefore, it has been classified as a Variant of Uncertain Significance.